The following is an entry in ClinVar:

ClinVar aggregate classification (germline): Likely benign. Review status: criteria provided, multiple submitters, no conflicts (2 of 4 stars). 2 submissions from 2 submitters: Likely benign (2). Last evaluated 2023-10-01.

Allele frequency attached by ClinVar (database versions not stated): ESP Exome Variant Server 0.00015; TOPMed 0.00017; gnomAD 0.00023; gnomAD exomes 0.00027; ExAC 0.00034; 1000 Genomes Project 30x 0.00078; 1000 Genomes Project 0.00100.
gnomAD v4.1: 440 of 1,614,144 alleles (0.027%); highest among the groups gnomAD compares: Middle Eastern, 0.15%; no homozygotes.

Submissions (2):

CeGaT Center for Human Genetics Tuebingen
Classification: Likely benign. Last evaluated: 2023-10-01. Review status: criteria provided, single submitter. Criteria: CeGaT Center For Human Genetics Tuebingen Variant Classification Criteria Version 2. Collection method: clinical testing. Allele origin: germline. Affected: yes. Observed: 1 variant allele.
Comment: NRXN3: BP4

Blueprint Genetics
Classification: Likely benign. Last evaluated: 2023-03-01. Review status: criteria provided, single submitter. Criteria: ACMG Guidelines, 2015. Collection method: clinical testing. Allele origin: germline.

NM_001330195.2(NRXN3):c.1383C>T (p.Pro461=)

Genes: NRXN3 (neurexin 3; plus strand), NRXN3-AS2 (NRXN3 antisense RNA 2; minus strand). Cytogenetic location: 14q24.3.
Variant type: single nucleotide variant.
Coding change: c.1383C>T on transcript NM_001330195.2 (MANE Select); coding-DNA position 1383, C replaced by T.
Protein change: p.Pro461=; no amino-acid change (proline 461 retained).
Molecular consequence: synonymous variant. On other transcripts: non-coding transcript variant (5).
Genome position (GRCh38, 1-based): chr14:78,709,378, C>T. VCF-style: chr14-78709378-C-T. GRCh37 (hg19) VCF-style: chr14-79175721-C-T.
Other names: c.1383C>T, p.Pro461= (NM_001366425.1); c.1395C>T, p.Pro465= (NM_001366426.1); c.264C>T, p.Pro88= (NM_004796.6).
Identifiers: ClinVar variation 2644427 (VCV002644427.25), dbSNP rs371323194, ClinGen allele CA7291630.